The following is an entry in ClinVar:

NM_021096.4(CACNA1I):c.3692G>C (p.Gly1231Ala)

Gene: CACNA1I (calcium voltage-gated channel subunit alpha1 I; plus strand). Cytogenetic location: 22q13.1.
Variant type: single nucleotide variant.
Coding change: c.3692G>C on transcript NM_021096.4 (MANE Select); coding-DNA position 3692, G replaced by C.
Protein change: p.Gly1231Ala; replaces glycine 1231 with alanine.
Molecular consequence: missense variant.
Genome position (GRCh38, 1-based): chr22:39,664,764, G>C. VCF-style: chr22-39664764-G-C. GRCh37 (hg19) VCF-style: chr22-40060769-G-C.
Other names: c.3587G>C, p.Gly1196Ala (NM_001003406.2); short protein forms G1196A, G1231A.
Identifiers: ClinVar variation 3030906 (VCV003030906.3), dbSNP rs2518171465, ClinGen allele CA411660666.

ClinVar aggregate classification (germline): Uncertain significance (1 of 4 stars; one submission).

Conditions:
CACNA1I-related disorder. Also called: CACNA1I-related condition.

Submission:

PreventionGenetics, part of Exact Sciences
Classification: Uncertain significance for CACNA1I-related condition. Last evaluated: 2025-12-11. Review status: criteria provided, single submitter. Criteria: ACMG Guidelines, 2015. Collection method: clinical testing. Allele origin: germline.
Comment: The CACNA1I c.3692G>C variant is predicted to result in the amino acid substitution p.Gly1231Ala. To our knowledge, this variant has not been reported in the literature or in a large population database (gnomAD), indicating this variant is rare. Although we suspect that the c.3692G>C (p.Gly1231Ala) variant may be pathogenic, at this time, the clinical significance of this variant is uncertain due to the absence of conclusive functional and genetic evidence.